The following is an entry in ClinVar:

NM_207111.4(RNF216):c.2044A>C (p.Asn682His)

Gene: RNF216 (ring finger protein 216; minus strand). Cytogenetic location: 7p22.1.
Variant type: single nucleotide variant.
Coding change: c.2044A>C on transcript NM_207111.4 (MANE Select); coding-DNA position 2044, A replaced by C.
Protein change: p.Asn682His; replaces asparagine 682 with histidine.
Molecular consequence: missense variant.
Genome position (GRCh38, 1-based): chr7:5,711,778, T>G on the plus strand (A>C on the coding strand, the complement: RNF216 is on the minus strand). VCF-style: chr7-5711778-T-G. GRCh37 (hg19) VCF-style: chr7-5751409-T-G.
Other names: c.1873A>C, p.Asn625His (NM_001377156.1, NM_207116.3); short protein forms N625H, N682H.
Identifiers: ClinVar variation 1696862 (VCV001696862.3), dbSNP rs2128629393, ClinGen allele CA366719676.
Genomic context (GRCh38, chr7:5,711,778, plus strand): 5'-ACCATAATTCAATATACATCTAGAAAAAAATGTGCCTCCCTACCTTTCGGCAGTGAGGAT[T>G]AGGACAGCTGAACCTCTTCACATCACTGTCCAACAGAGCCGGAAAGCTACAGGACGGGCA-3'
Protein context (NP_996994.1, residues 672-692): DSDVKRFSCP[Asn682His]PHCRKETCRK

ClinVar aggregate classification (germline): Uncertain significance (0 of 4 stars; one submission).

Conditions:
Cerebellar ataxia-hypogonadism syndrome. Also called: Gordon Holmes syndrome; CEREBELLAR ATAXIA AND HYPOGONADOTROPIC HYPOGONADISM; LHRH DEFICIENCY AND ATAXIA; Luteinizing hormone releasing hormone, deficiency of with ataxia; Cerebellar ataxia hypogonadotropic hypogonadism. Identifiers: Orphanet 1173, MedGen C1859305, MONDO:0008935, OMIM 212840.

gnomAD v4.1: 1 of 1,613,688 alleles (0.000062%); highest among the groups gnomAD compares: Non-Finnish European, 0.000085%; no homozygotes.

Submission:

Center for Human Genetics and Genomic Medicine, Uniklinik Rwth Aachen
Classification: Uncertain significance for Cerebellar ataxia-hypogonadism syndrome. Last evaluated: 2022-06-07. Review status: no assertion criteria provided. Collection method: clinical testing. Allele origin: unknown. Inheritance: Autosomal recessive inheritance. Affected: yes.
Comment: The variant is not present in population databases and it has not yet been reported in the literature. The affected amino acid is highly conserved in various species and it affects the IBR domain of the protein where several pathogenic variants have been reported. We therefore consider it a variant of unknown significance.